The following is an entry in ClinVar:

ClinVar aggregate classification (germline): Likely benign. Review status: criteria provided, single submitter (1 of 4 stars). 2 submissions from 2 submitters: Likely benign (1). 1 of the submissions does not count toward it. Last evaluated 2023-04-01.

Conditions:
WARS1-related disorder. Also called: WARS1-related condition.

Allele frequency attached by ClinVar (database versions not stated): ExAC 0.00072; gnomAD 0.00194; ESP Exome Variant Server 0.00215; TOPMed 0.00219; 1000 Genomes Project 0.00379; 1000 Genomes Project 30x 0.00422.
gnomAD v4.1: 536 of 1,614,086 alleles (0.033%); highest among the groups gnomAD compares: African/African-American, 0.6%; 5 homozygotes.

Submissions (2):

CeGaT Center for Human Genetics Tuebingen
Classification: Likely benign. Last evaluated: 2023-04-01. Review status: criteria provided, single submitter. Criteria: CeGaT Center For Human Genetics Tuebingen Variant Classification Criteria Version 2. Collection method: clinical testing. Allele origin: germline. Affected: yes. Observed: 1 variant allele.
Comment: WARS1: BP4, BP7, BS2

PreventionGenetics, part of Exact Sciences
Classification: Likely benign for WARS1-related condition. Last evaluated: 2019-12-26. Review status: no assertion criteria provided. Collection method: clinical testing. Allele origin: germline. Not counted in ClinVar's aggregate classification.
Comment: This variant is classified as likely benign based on ACMG/AMP sequence variant interpretation guidelines (Richards et al. 2015 PMID: 25741868, with internal and published modifications).

NM_004184.4(WARS1):c.1038C>G (p.Ala346=)

Gene: WARS1 (tryptophanyl-tRNA synthetase 1; minus strand). Cytogenetic location: 14q32.2.
Variant type: single nucleotide variant.
Coding change: c.1038C>G on transcript NM_004184.4 (MANE Select); coding-DNA position 1038, C replaced by G.
Protein change: p.Ala346=; no amino-acid change (alanine 346 retained).
Molecular consequence: synonymous variant.
Genome position (GRCh38, 1-based): chr14:100,342,473, G>C on the plus strand (C>G on the coding strand, the complement: WARS1 is on the minus strand). VCF-style: chr14-100342473-G-C. GRCh37 (hg19) VCF-style: chr14-100808810-G-C.
Other names: c.1038C>G, p.Ala346= (NM_173701.2); c.915C>G, p.Ala305= (NM_213645.2, NM_213646.2); c.1038C>G (NM_004184.3).
Identifiers: ClinVar variation 2570889 (VCV002570889.28), dbSNP rs74085075, ClinGen allele CA7345138.